The following is an entry in ClinVar:

NM_182914.3(SYNE2):c.19745A>G (p.Asp6582Gly)

Gene: SYNE2 (spectrin repeat containing nuclear envelope protein 2; plus strand). Cytogenetic location: 14q23.2.
Variant type: single nucleotide variant.
Coding change: c.19745A>G on transcript NM_182914.3 (MANE Select); coding-DNA position 19745, A replaced by G.
Protein change: p.Asp6582Gly; replaces aspartic acid 6582 with glycine.
Molecular consequence: missense variant.
Genome position (GRCh38, 1-based): chr14:64,219,295, A>G. VCF-style: chr14-64219295-A-G. GRCh37 (hg19) VCF-style: chr14-64686013-A-G.
Other names: c.19676A>G, p.Asp6559Gly (NM_015180.6); c.269A>G, p.Asp90Gly (NM_182910.2); c.647A>G, p.Asp216Gly (NM_182913.4); short protein forms D90G, D6559G, D216G, D6582G.
Identifiers: ClinVar variation 2797955 (VCV002797955.3), dbSNP rs745844411, ClinGen allele CA7224571.

ClinVar aggregate classification (germline): Uncertain significance (1 of 4 stars; one submission).

Conditions:
Emery-Dreifuss muscular dystrophy 5, autosomal dominant (EDMD5). Also called: EMERY-DREIFUSS MUSCULAR DYSTROPHY 5. Identifiers: Orphanet 261, MedGen C2751805, MONDO:0013072, OMIM 612999.

Allele frequency attached by ClinVar (database versions not stated): gnomAD 0.00001; TOPMed 0.00001; ExAC 0.00004.
gnomAD v4.1: 12 of 1,613,970 alleles (0.00074%); highest among the groups gnomAD compares: East Asian, 0.0067%; no homozygotes.

Submission:

Labcorp Genetics (formerly Invitae), Labcorp
Classification: Uncertain significance for Emery-Dreifuss muscular dystrophy 5, autosomal dominant. Last evaluated: 2022-12-24. Review status: criteria provided, single submitter. Criteria: Invitae Variant Classification Sherloc (09022015). Collection method: clinical testing. Allele origin: germline.
Comment: This sequence change replaces aspartic acid, which is acidic and polar, with glycine, which is neutral and non-polar, at codon 6582 of the SYNE2 protein (p.Asp6582Gly). This variant is present in population databases (rs745844411, gnomAD 0.01%). This variant has not been reported in the literature in individuals affected with SYNE2-related conditions. Algorithms developed to predict the effect of missense changes on protein structure and function (SIFT, PolyPhen-2, Align-GVGD) all suggest that this variant is likely to be tolerated. In summary, the available evidence is currently insufficient to determine the role of this variant in disease. Therefore, it has been classified as a Variant of Uncertain Significance.